The following is an entry in ClinVar:

ClinVar aggregate classification (germline): Uncertain significance (1 of 4 stars; one submission).

Conditions:
Encephalopathy, acute, infection-induced (herpes-specific), susceptibility to, 1. Also called: Herpes simplex encephalitis, susceptibility to, 1. Identifiers: Orphanet 1930, MedGen C2750180, MONDO:0024563, OMIM 610551.

gnomAD v4.1: 3 of 1,614,124 alleles (0.00019%); highest among the groups gnomAD compares: Non-Finnish European, 0.00025%; no homozygotes.

Submission:

Labcorp Genetics (formerly Invitae), Labcorp
Classification: Uncertain significance for Encephalopathy, acute, infection-induced (herpes-specific), susceptibility to, 1. Last evaluated: 2021-11-02. Review status: criteria provided, single submitter. Criteria: Invitae Variant Classification Sherloc (09022015). Collection method: clinical testing. Allele origin: germline.
Comment: This sequence change replaces glutamic acid, which is acidic and polar, with lysine, which is basic and polar, at codon 726 of the TLR3 protein (p.Glu726Lys). In summary, the available evidence is currently insufficient to determine the role of this variant in disease. Therefore, it has been classified as a Variant of Uncertain Significance. Algorithms developed to predict the effect of missense changes on protein structure and function (SIFT, PolyPhen-2, Align-GVGD) all suggest that this variant is likely to be tolerated. This variant has not been reported in the literature in individuals affected with TLR3-related conditions. This variant is not present in population databases (gnomAD no frequency).

NM_003265.3(TLR3):c.2176G>A (p.Glu726Lys)

Gene: TLR3 (toll like receptor 3; plus strand). Cytogenetic location: 4q35.1.
Variant type: single nucleotide variant.
Coding change: c.2176G>A on transcript NM_003265.3 (MANE Select); coding-DNA position 2176, G replaced by A.
Protein change: p.Glu726Lys; replaces glutamic acid 726 with lysine.
Molecular consequence: missense variant.
Genome position (GRCh38, 1-based): chr4:186,083,862, G>A. VCF-style: chr4-186083862-G-A. GRCh37 (hg19) VCF-style: chr4-187005016-G-A.
Other names: short protein forms E726K.
Identifiers: ClinVar variation 1389573 (VCV001389573.6), dbSNP rs2150068142, ClinGen allele CA358935339.